The following is an entry in ClinVar:

NM_001330288.2(SMARCC2):c.2183T>C (p.Leu728Pro)

Gene: SMARCC2 (SWI/SNF related BAF chromatin remodeling complex subunit C2; minus strand). Cytogenetic location: 12q13.2.
Variant type: single nucleotide variant.
Coding change: c.2183T>C on transcript NM_001330288.2 (MANE Select); coding-DNA position 2183, T replaced by C.
Protein change: p.Leu728Pro; replaces leucine 728 with proline.
Molecular consequence: missense variant.
Genome position (GRCh38, 1-based): chr12:56,171,681, A>G on the plus strand (T>C on the coding strand, the complement: SMARCC2 is on the minus strand). VCF-style: chr12-56171681-A-G. GRCh37 (hg19) VCF-style: chr12-56565465-A-G.
Other names: c.2183T>C, p.Leu728Pro (NM_001130420.3, NM_139067.4); c.2090T>C, p.Leu697Pro (NM_003075.5); short protein forms L728P, L697P.
Identifiers: ClinVar variation 2526598 (VCV002526598.2), dbSNP rs2540881692, ClinGen allele CA385344156.

ClinVar aggregate classification (germline): Uncertain significance (1 of 4 stars; one submission).

Conditions:
Inborn genetic diseases. Identifiers: MedGen C0950123, MeSH D030342.

Submission:

Ambry Genetics
Classification: Uncertain significance for Inborn genetic diseases. Last evaluated: 2023-05-02. Review status: criteria provided, single submitter. Criteria: Ambry Variant Classification Scheme 2023. Collection method: clinical testing. Allele origin: germline.
Comment: The c.2090T>C (p.L697P) alteration is located in exon 20 (coding exon 20) of the SMARCC2 gene. This alteration results from a T to C substitution at nucleotide position 2090, causing the leucine (L) at amino acid position 697 to be replaced by a proline (P). This variant was not reported in population-based cohorts in the Genome Aggregation Database (gnomAD). This amino acid position is highly conserved in available vertebrate species. The in silico prediction for this alteration is inconclusive. Based on insufficient or conflicting evidence, the clinical significance of this alteration remains unclear.